The following is an entry in ClinVar:

ClinVar aggregate classification (germline): Uncertain significance (1 of 4 stars; one submission).

Conditions:
Pyridoxal phosphate-responsive seizures (PNPOD). Also called: EPILEPTIC ENCEPHALOPATHY, NEONATAL, PNPO-RELATED; SEIZURES, PYRIDOXINE-RESISTANT, PLP-SENSITIVE; Pyridoxamine 5-Prime-Phosphate Oxidase Deficiency; Pyridoxine-5'-phosphate oxidase deficiency; Pyridoxal 5'-Phosphate (PLP)-Dependent Epilepsy. Identifiers: Orphanet 79096, MedGen C1864723, MONDO:0012407, OMIM 610090. Disease mechanism: loss of function.

Submission:

Labcorp Genetics (formerly Invitae), Labcorp
Classification: Uncertain significance for Pyridoxal phosphate-responsive seizures. Last evaluated: 2024-03-14. Review status: criteria provided, single submitter. Criteria: Invitae Variant Classification Sherloc (09022015). Collection method: clinical testing. Allele origin: germline.
Comment: This sequence change falls in intron 2 of the PNPO gene. It does not directly change the encoded amino acid sequence of the PNPO protein. It affects a nucleotide within the consensus splice site. This variant is not present in population databases (gnomAD no frequency). This variant has not been reported in the literature in individuals affected with PNPO-related conditions. ClinVar contains an entry for this variant (Variation ID: 1499863). Variants that disrupt the consensus splice site are a relatively common cause of aberrant splicing (PMID: 17576681, 9536098). Algorithms developed to predict the effect of sequence changes on RNA splicing suggest that this variant is not likely to affect RNA splicing. In summary, the available evidence is currently insufficient to determine the role of this variant in disease. Therefore, it has been classified as a Variant of Uncertain Significance.

Literature cited by the submitters: PubMed 17576681; PubMed 9536098.

NM_018129.4(PNPO):c.263+3G>A

Gene: PNPO (pyridoxamine 5'-phosphate oxidase; plus strand). Cytogenetic location: 17q21.32.
Variant type: single nucleotide variant.
Coding change: c.263+3G>A on transcript NM_018129.4 (MANE Select); 3 bases into the intron after coding-DNA position 263, G replaced by A.
Molecular consequence: intron variant.
Genome position (GRCh38, 1-based): chr17:47,943,433, G>A. VCF-style: chr17-47943433-G-A. GRCh37 (hg19) VCF-style: chr17-46020799-G-A.
Identifiers: ClinVar variation 1499863 (VCV001499863.6), dbSNP rs1598197140, ClinGen allele CA2262899259.